The following is an entry in ClinVar:

ClinVar aggregate classification (germline): Pathogenic. Review status: criteria provided, multiple submitters, no conflicts (2 of 4 stars). 8 submissions from 8 submitters: Pathogenic (7). 1 of the submissions does not count toward it. Last evaluated 2025-10-01.

Conditions:
Type 2 diabetes mellitus. Also called: Type II diabetes mellitus. Identifiers: MedGen C0011860, MeSH D003924, MONDO:0005148, OMIM 125853, HP:0005978.
Diabetes mellitus, permanent neonatal 3. Also called: ABCC8-Related Permanent Neonatal Diabetes Mellitus. Identifiers: MedGen C5394303, MONDO:0030088, OMIM 618857.
Hyperinsulinemic hypoglycemia, familial, 1 (HHF1). Also called: Persistent hyperinsulinemic hypoglycemia of infancy; HYPERINSULINISM, FAMILIAL, WITH PANCREATIC NESIDIOBLASTOSIS; HYPOGLYCEMIA, HYPERINSULINEMIC, OF INFANCY; Persistent Hyperinsulinemia Hypoglycemia of Infancy; NESIDIOBLASTOSIS OF PANCREAS. Identifiers: Orphanet 276575, Orphanet 276598, MedGen C2931832, MONDO:0009734, OMIM 256450.
Leucine-induced hypoglycemia (LIH). Also called: LEUCINE-SENSITIVE HYPOGLYCEMIA OF INFANCY. Identifiers: MedGen C0271714, MONDO:0009415, OMIM 240800.
Diabetes mellitus, transient neonatal, 2 (TNDM2). Identifiers: Orphanet 99886, MedGen C1835887, MONDO:0012480, OMIM 610374. Disease mechanism: loss of function.
Hereditary hyperinsulinism.
Inborn genetic diseases. Identifiers: MedGen C0950123, MeSH D030342.
Familial hyperinsulinism. Also called: Congenital hyperinsulinism. Identifiers: Orphanet 276525, MedGen C3888018, MONDO:0017182. Disease mechanism: loss of function.

Allele frequency attached by ClinVar (database versions not stated): gnomAD exomes below 0.00001; gnomAD 0.00001; TOPMed 0.00001.
gnomAD v4.1: 8 of 1,613,970 alleles (0.0005%); highest among the groups gnomAD compares: African/African-American, 0.0013%; no homozygotes.

Submissions (8):

Labcorp Genetics (formerly Invitae), Labcorp
Classification: Pathogenic. Last evaluated: 2025-10-01. Review status: criteria provided, single submitter. Criteria: Invitae Variant Classification Sherloc (09022015). Collection method: clinical testing. Allele origin: germline.
Comment: This sequence change creates a premature translational stop signal (p.Arg1250*) in the ABCC8 gene. It is expected to result in an absent or disrupted protein product. Loss-of-function variants in ABCC8 are known to be pathogenic (PMID: 20685672, 23345197). This variant is not present in population databases (gnomAD no frequency). This premature translational stop signal has been observed in individuals with autosomal recessive familial hyperinsulinism (PMID: 16429405, 23345197). This variant is also known as p.R1251X. ClinVar contains an entry for this variant (Variation ID: 370163). For these reasons, this variant has been classified as Pathogenic.

Ambry Genetics
Classification: Pathogenic for Inborn genetic diseases. Last evaluated: 2025-07-25. Review status: criteria provided, single submitter. Criteria: Ambry Variant Classification Scheme 2023. Collection method: clinical testing. Allele origin: germline.
Comment: The c.3748C>T (p.R1250*) alteration, located in exon 30 (coding exon 30) of the ABCC8 gene, consists of a C to T substitution at nucleotide position 3748. This changes the amino acid from an arginine (R) to a stop codon at amino acid position 1250. This alteration is expected to result in loss of function by premature protein truncation or nonsense-mediated mRNA decay. for autosomal dominant ABCC8-related focal hyperinsulinemic hypoglycemia susceptibility and autosomal recessive ABCC8-related diffuse hyperinsulinemic hypoglycemia; however, its clinical significance for autosomal dominant ABCC8-related diffuse hyperinsulinemic hypoglycemia and ABCC8-related diabetes mellitus is uncertain. This variant was not reported in population-based cohorts in the Genome Aggregation Database (gnomAD). This variant has been identified in the heterozygous state and in conjunction with other ABCC8 variants in individuals with features consistent with ABCC8-related focal or diffuse hyperinsulinemic hypoglycemia; in at least one instance, the variants were identified in trans (Fern&aacute;ndez-Marmiesse, 2006; Gussinyer, 2008; Yorifuji, 2011; Fan, 2015). Based on the available evidence, this alteration is classified as pathogenic.

Genetic Services Laboratory, University of Chicago
Classification: Pathogenic. Last evaluated: 2025-05-20. Review status: criteria provided, single submitter. Criteria: ACMG Guidelines, 2015. Collection method: clinical testing. Allele origin: germline.
Comment: The c.3748C>T variant: Results in the creation of a premature stop codon at amino acid position 1250, p.Arg1250*. Is predicted to result in an abnormal transcript, which may be degraded, or may lead to the production of a truncated ABCC8 protein with potentially abnormal function. Has been previously described in the homozygous and compound heterozygous state in several individuals with ABCC8-related congenital hyperinsulinism (PMID: 16429405, 23345197, 24401662, 20685672, 34738771). Is reported in the gnomAD v4 database with a frequency of 0.0005% in the global population (dbSNP rs1057516281). ClinVar contains an entry for this variant (Variation ID: 370163). Collectively this evidence indicates that this variant is pathogenic.

Natera, Inc.
Classification: Pathogenic for Hereditary hyperinsulinism. Last evaluated: 2024-09-27. Review status: criteria provided, single submitter. Criteria: Natera Variant Classification Schema (03/2026). Collection method: clinical testing. Allele origin: germline.
Comment: The c.3748C>T variant in ABCC8 is a nonsense variant predicted to introduce a stop codon at amino acid 1250. This variant is expected to result in nonsense mediated decay, truncation, or a dysfunctional protein product. This variant is rare in the general population with a frequency below the threshold expected for the associated phenotype(s). This variant has been observed in one or more individuals affected with the associated recessive disease, as either homozygous or compound heterozygous with a second variant (PMID: 18339976). Given the available evidence, this variant is classified as Pathogenic.

Fulgent Genetics
Classification: Pathogenic for Type 2 diabetes mellitus; Leucine-induced hypoglycemia; Hyperinsulinemic hypoglycemia, familial, 1; Diabetes mellitus, transient neonatal, 2; Diabetes mellitus, permanent neonatal 3. Last evaluated: 2024-05-17. Review status: criteria provided, single submitter. Criteria: ACMG Guidelines, 2015. Collection method: clinical testing. Allele origin: germline.

Baylor Genetics
Classification: Pathogenic for Type 2 diabetes mellitus. Last evaluated: 2023-09-12. Review status: criteria provided, single submitter. Criteria: ACMG Guidelines, 2015. Collection method: clinical testing. Allele origin: unknown.

Women's Health and Genetics/Laboratory Corporation of America, LabCorp
Classification: Pathogenic for Familial hyperinsulinism. Last evaluated: 2017-12-05. Review status: criteria provided, single submitter. Criteria: LabCorp Variant Classification Summary - May 2015. Collection method: clinical testing. Allele origin: germline.
Comment: Variant summary: The ABCC8 c.3748C>T (p.Arg1250X) variant results in a premature termination codon, predicted to cause a truncated or absent ABCC8 protein due to nonsense mediated decay, which are commonly known mechanisms for disease. Truncations downstream of this position have been classified as pathogenic by our laboratory (e.g., c.4013G>A [p.Trp1338X] and c.4306C>T [p.Arg1436X]). One in silico tool predicts a damaging outcome for this variant. This variant is absent in 246308 control chromosomes, but has been reported in numerous patients with congenital hyperinsulism as a homozygous and compound heterozygous allele (e.g., Kapoor_2013, Snider_2013). In addition, one clinical diagnostic laboratory classified this variant as pathogenic. Taken together, this variant is classified as pathogenic.

Counsyl
Classification: Pathogenic for Hyperinsulinemic hypoglycemia, familial, 1. Last evaluated: 2015-12-11. Review status: no assertion criteria provided. Collection method: clinical testing. Allele origin: unknown. Not counted in ClinVar's aggregate classification.

Literature cited by the submitters: PubMed 20685672 (cited by Labcorp Genetics (formerly Invitae), Labcorp); PubMed 23345197 (cited by Labcorp Genetics (formerly Invitae), Labcorp and Women's Health and Genetics/Laboratory Corporation of America, LabCorp); PubMed 16429405 (cited by 4 submitters); PubMed 18339976 (cited by 4 submitters); PubMed 20943781 (cited by 3 submitters); PubMed 26740944 (cited by Ambry Genetics); PubMed 23275527 (cited by Women's Health and Genetics/Laboratory Corporation of America, LabCorp and Counsyl); PubMed 24401662 (cited by Counsyl).

NM_000352.6(ABCC8):c.3748C>T (p.Arg1250Ter)

Gene: ABCC8 (ATP binding cassette subfamily C member 8; minus strand). Cytogenetic location: 11p15.1.
Variant type: single nucleotide variant.
Coding change: c.3748C>T on transcript NM_000352.6 (MANE Select); coding-DNA position 3748, C replaced by T.
Protein change: p.Arg1250Ter; replaces arginine 1250 with a stop codon.
Molecular consequence: nonsense. On other transcripts: non-coding transcript variant (1).
Genome position (GRCh38, 1-based): chr11:17,398,344, G>A on the plus strand (C>T on the coding strand, the complement: ABCC8 is on the minus strand). VCF-style: chr11-17398344-G-A. GRCh37 (hg19) VCF-style: chr11-17419891-G-A.
Other names: c.3751C>T, p.Arg1251Ter (NM_001287174.3); c.3814C>T, p.Arg1272Ter (NM_001351295.2); c.3748C>T, p.Arg1250Ter (NM_001351296.2); c.3745C>T, p.Arg1249Ter (NM_001351297.2); c.3748C>T (NM_000352.4); short protein forms R1250*, R1251*, R1272*, R1249*.
Identifiers: ClinVar variation 370163 (VCV000370163.21), dbSNP rs1057516281, ClinGen allele CA16041440.
Genomic context (GRCh38, chr11:17,398,344, plus strand): 5'-TTGCTCTGGCCCCACCCTCCTATCAGAGGCCAGGGTAGAGGGGAATAGCACTTGCCATTC[G>A]GACTTCCAGCCATCTGTTGGCAGCTGTGAGGAAGAGGGAAGCAATGTTGTTGGAGTCTGT-3'